The following is an entry in ClinVar:

ClinVar aggregate classification (germline): Conflicting classifications of pathogenicity. Review status: criteria provided, conflicting classifications (1 of 4 stars). 4 submissions from 4 submitters: Uncertain significance (3); Likely benign (1). Last evaluated 2024-08-14.

Allele frequency attached by ClinVar (database versions not stated): ESP Exome Variant Server 0.00031; gnomAD 0.00031; TOPMed 0.00031; ExAC 0.00054; 1000 Genomes Project 0.00060; 1000 Genomes Project 30x 0.00109.
gnomAD v4.1: 555 of 1,596,864 alleles (0.035%); highest among the groups gnomAD compares: Middle Eastern, 0.55%; 1 homozygote.

Submissions (4):

Mayo Clinic Laboratories, Mayo Clinic
Classification: Uncertain significance. Last evaluated: 2024-08-14. Review status: criteria provided, single submitter. Criteria: ACMG Guidelines, 2015. Collection method: clinical testing. Allele origin: germline. Observed: 1 variant allele.
Comment: BP4

CeGaT Center for Human Genetics Tuebingen
Classification: Likely benign. Last evaluated: 2023-10-01. Review status: criteria provided, single submitter. Criteria: CeGaT Center For Human Genetics Tuebingen Variant Classification Criteria Version 2. Collection method: clinical testing. Allele origin: germline. Affected: yes. Observed: 1 variant allele.
Comment: LAMA5: BP4

GeneDx
Classification: Uncertain significance. Last evaluated: 2023-05-10. Review status: criteria provided, single submitter. Criteria: GeneDx Variant Classification Process June 2021. Collection method: clinical testing. Allele origin: germline. Affected: yes.
Comment: In silico analysis supports that this missense variant has a deleterious effect on protein structure/function; Has not been previously published as pathogenic or benign to our knowledge; Variants in candidate genes are classified as variants of uncertain significance in accordance with ACMG guidelines (Richards et al., 2015)

Labcorp Genetics (formerly Invitae), Labcorp
Classification: Uncertain significance. Last evaluated: 2022-06-30. Review status: criteria provided, single submitter. Criteria: Invitae Variant Classification Sherloc (09022015). Collection method: clinical testing. Allele origin: germline.
Comment: This sequence change replaces arginine, which is basic and polar, with tryptophan, which is neutral and slightly polar, at codon 2314 of the LAMA5 protein (p.Arg2314Trp). This variant is present in population databases (rs201303962, gnomAD 0.06%). This variant has not been reported in the literature in individuals affected with LAMA5-related conditions. Algorithms developed to predict the effect of missense changes on protein structure and function output the following: SIFT: "Tolerated"; PolyPhen-2: "Possibly Damaging"; Align-GVGD: "Class C0". The tryptophan amino acid residue is found in multiple mammalian species, which suggests that this missense change does not adversely affect protein function. In summary, the available evidence is currently insufficient to determine the role of this variant in disease. Therefore, it has been classified as a Variant of Uncertain Significance.

NM_005560.6(LAMA5):c.6940C>T (p.Arg2314Trp)

Gene: LAMA5 (laminin subunit alpha 5; minus strand). Cytogenetic location: 20q13.33.
Variant type: single nucleotide variant.
Coding change: c.6940C>T on transcript NM_005560.6 (MANE Select); coding-DNA position 6940, C replaced by T.
Protein change: p.Arg2314Trp; replaces arginine 2314 with tryptophan.
Molecular consequence: missense variant.
Genome position (GRCh38, 1-based): chr20:62,318,945, G>A on the plus strand (C>T on the coding strand, the complement: LAMA5 is on the minus strand). VCF-style: chr20-62318945-G-A. GRCh37 (hg19) VCF-style: chr20-60894001-G-A.
Other names: p.Arg2314Trp; c.6940C>T (NM_005560.3); short protein forms R2314W.
Identifiers: ClinVar variation 2066013 (VCV002066013.27), dbSNP rs201303962, ClinGen allele CA9941492.